The following is an entry in ClinVar:

NM_000254.3(MTR):c.2239_2240insA (p.Leu747fs)

Gene: MTR (5-methyltetrahydrofolate-homocysteine methyltransferase; plus strand). Cytogenetic location: 1q43.
Variant type: Insertion.
Coding change: c.2239_2240insA on transcript NM_000254.3 (MANE Select); coding-DNA positions 2239 to 2240, A inserted.
Protein change: p.Leu747fs; shifts the reading frame from leucine 747.
Molecular consequence: frameshift variant.
Genome position: GRCh38 VCF-style: chr1-236862278-C-CA. GRCh37 (hg19) VCF-style: chr1-237025578-C-CA.
Other names: c.2086_2087insA, p.Leu696fs (NM_001291939.1); c.1018_1019insA, p.Leu340fs (NM_001291940.2); c.2239_2240insA, p.Leu747fs (NM_001410942.1); short protein forms L747fs, L340fs, L696fs.
Identifiers: ClinVar variation 2795127 (VCV002795127.3), dbSNP rs2528250134, ClinGen allele CA2739274017.

ClinVar aggregate classification (germline): Pathogenic (1 of 4 stars; one submission).

Conditions:
Methylcobalamin deficiency type cblG (HMAG). Also called: HOMOCYSTINURIA-MEGALOBLASTIC ANEMIA, cblG COMPLEMENTATION TYPE; Functional methionine synthase deficiency type cblG; HOMOCYSTINURIA-MEGALOBLASTIC ANEMIA, cblG TYPE; HOMOCYSTINURIA-MEGALOBLASTIC ANEMIA DUE TO DEFECT IN COBALAMIN METABOLISM, cblG COMPLEMENTATION TYPE. Identifiers: Orphanet 2170, Orphanet 622, MedGen C1855128, MONDO:0009609, OMIM 250940.

Submission:

Labcorp Genetics (formerly Invitae), Labcorp
Classification: Pathogenic for Methylcobalamin deficiency type cblG. Last evaluated: 2023-09-03. Review status: criteria provided, single submitter. Criteria: Invitae Variant Classification Sherloc (09022015). Collection method: clinical testing. Allele origin: germline.
Comment: This sequence change creates a premature translational stop signal (p.Leu747Hisfs*16) in the MTR gene. It is expected to result in an absent or disrupted protein product. Loss-of-function variants in MTR are known to be pathogenic (PMID: 9683607, 12068375). This variant is not present in population databases (gnomAD no frequency). This variant has not been reported in the literature in individuals affected with MTR-related conditions. For these reasons, this variant has been classified as Pathogenic.

Literature cited by the submitters: PubMed 9683607; PubMed 12068375.